The following is an entry in ClinVar:

ClinVar aggregate classification (germline): Uncertain significance. Review status: criteria provided, multiple submitters, no conflicts (2 of 4 stars). 5 submissions from 5 submitters: Uncertain significance (4). 1 of the submissions does not count toward it. Last evaluated 2026-02-24.

Conditions:
Inborn genetic diseases. Identifiers: MedGen C0950123, MeSH D030342.
Developmental delay with autism spectrum disorder and gait instability (MRT38). Also called: Intellectual developmental disorder, autosomal recessive 38. Identifiers: Orphanet 329195, MedGen C3809753, MONDO:0014224, OMIM 615516.

Allele frequency attached by ClinVar (database versions not stated): ESP Exome Variant Server 0.00008; TOPMed 0.00006.
gnomAD v4.1: 138 of 1,613,276 alleles (0.0086%); highest among the groups gnomAD compares: Non-Finnish European, 0.011%; no homozygotes.

Submissions (5):

GeneDx
Classification: Uncertain significance. Last evaluated: 2026-02-24. Review status: criteria provided, single submitter. Criteria: GeneDx Variant Classification Process June 2021. Collection method: clinical testing. Allele origin: germline.
Comment: In silico analysis suggests that this missense variant does not alter protein structure/function; Has not been previously published as pathogenic or benign to our knowledge

Revvity Omics, Revvity
Classification: Uncertain significance. Last evaluated: 2025-01-14. Review status: criteria provided, single submitter. Criteria: ACMG Guidelines, 2015. Collection method: clinical testing. Allele origin: germline.

Ambry Genetics
Classification: Uncertain significance for Inborn genetic diseases. Last evaluated: 2024-09-25. Review status: criteria provided, single submitter. Criteria: Ambry Variant Classification Scheme 2023. Collection method: clinical testing. Allele origin: germline.

Baylor Genetics
Classification: Uncertain significance for Developmental delay with autism spectrum disorder and gait instability. Last evaluated: 2018-09-27. Review status: criteria provided, single submitter. Criteria: ACMG Guidelines, 2015. Collection method: clinical testing. Allele origin: unknown. Affected: yes.
Comment: This variant was determined to be of uncertain significance according to ACMG Guidelines, 2015 [PMID:25741868].

Zotz-Klimas Genetics Lab, MVZ Zotz Klimas
Classification: Uncertain significance for Developmental delay with autism spectrum disorder and gait instability. Last evaluated: 2023-11-24. Review status: no assertion criteria provided. Collection method: clinical testing. Allele origin: germline. Affected: yes. Not counted in ClinVar's aggregate classification.

NM_004667.6(HERC2):c.8820C>G (p.Ser2940Arg)

Gene: HERC2 (HECT and RLD domain containing E3 ubiquitin protein ligase 2; minus strand). Cytogenetic location: 15q13.1.
Variant type: single nucleotide variant.
Coding change: c.8820C>G on transcript NM_004667.6 (MANE Select); coding-DNA position 8820, C replaced by G.
Protein change: p.Ser2940Arg; replaces serine 2940 with arginine.
Molecular consequence: missense variant.
Genome position (GRCh38, 1-based): chr15:28,186,582, G>C on the plus strand (C>G on the coding strand, the complement: HERC2 is on the minus strand). VCF-style: chr15-28186582-G-C. GRCh37 (hg19) VCF-style: chr15-28431728-G-C.
Other names: c.8820C>G (NM_004667.4); short protein forms S2940R.
Identifiers: ClinVar variation 1032258 (VCV001032258.9), dbSNP rs140556070, ClinGen allele CA7441381.